The following is an entry in ClinVar:

ClinVar aggregate classification (germline): Likely benign. Review status: criteria provided, multiple submitters, no conflicts (2 of 4 stars). 3 submissions from 3 submitters: Likely benign (3). Last evaluated 2026-01-12.

Conditions:
Multiple congenital anomalies-hypotonia-seizures syndrome 1 (MCAHS1). Also called: GLYCOSYLPHOSPHATIDYLINOSITOL BIOSYNTHESIS DEFECT 3; PIGN-CDG; Congenital disorder of glycosylation due to PIGN deficiency. Identifiers: Orphanet 280633, MedGen C3279775, MONDO:0013563, OMIM 614080.

Allele frequency attached by ClinVar (database versions not stated): gnomAD exomes below 0.00001.
gnomAD v4.1: 10 of 1,609,700 alleles (0.00062%); highest among the groups gnomAD compares: Middle Eastern, 0.017%; 1 homozygote.

Submissions (3):

Labcorp Genetics (formerly Invitae), Labcorp
Classification: Likely benign for Multiple congenital anomalies-hypotonia-seizures syndrome 1. Last evaluated: 2026-01-12. Review status: criteria provided, single submitter. Criteria: Invitae Variant Classification Sherloc (09022015). Collection method: clinical testing. Allele origin: germline.

CeGaT Center for Human Genetics Tuebingen
Classification: Likely benign. Last evaluated: 2024-09-01. Review status: criteria provided, single submitter. Criteria: CeGaT Center For Human Genetics Tuebingen Variant Classification Criteria Version 2. Collection method: clinical testing. Allele origin: germline. Affected: yes. Observed: 1 variant allele.
Comment: PIGN: BP4, BP7

Blueprint Genetics
Classification: Likely benign. Last evaluated: 2024-07-02. Review status: criteria provided, single submitter. Criteria: ACMG Guidelines, 2015. Collection method: clinical testing. Allele origin: germline.

NM_176787.5(PIGN):c.1719T>C (p.Thr573=)

Gene: PIGN (phosphatidylinositol glycan anchor biosynthesis class N; minus strand). Cytogenetic location: 18q21.33.
Variant type: single nucleotide variant.
Coding change: c.1719T>C on transcript NM_176787.5 (MANE Select); coding-DNA position 1719, T replaced by C.
Protein change: p.Thr573=; no amino-acid change (threonine 573 retained).
Molecular consequence: synonymous variant.
Genome position (GRCh38, 1-based): chr18:62,106,837, A>G on the plus strand (T>C on the coding strand, the complement: PIGN is on the minus strand). VCF-style: chr18-62106837-A-G. GRCh37 (hg19) VCF-style: chr18-59774070-A-G.
Other names: c.1719T>C, p.Thr573= (NM_012327.6).
Identifiers: ClinVar variation 1137990 (VCV001137990.24), dbSNP rs1320741139, ClinGen allele CA504067573.